The following is an entry in ClinVar:

NM_006030.4(CACNA2D2):c.2185A>G (p.Ile729Val)

Genes: CACNA2D2 (calcium voltage-gated channel auxiliary subunit alpha2delta 2; minus strand), LOC101928965 (uncharacterized LOC101928965; plus strand), LOC127898564 (CYB561D2-LOC101928965; plus strand). Cytogenetic location: 3p21.31.
Variant type: single nucleotide variant.
Coding change: c.2185A>G on transcript NM_006030.4 (MANE Select); coding-DNA position 2185, A replaced by G.
Protein change: p.Ile729Val; replaces isoleucine 729 with valine.
Molecular consequence: missense variant. On other transcripts: non-coding transcript variant (3).
Genome position (GRCh38, 1-based): chr3:50,367,861, T>C on the plus strand (A>G on the coding strand, the complement: CACNA2D2 is on the minus strand). VCF-style: chr3-50367861-T-C. GRCh37 (hg19) VCF-style: chr3-50405292-T-C.
Other names: c.2185A>G, p.Ile729Val (NM_001005505.3, NM_001410768.1); c.2206A>G, p.Ile736Val (NM_001174051.3); c.1978A>G, p.Ile660Val (NM_001291101.1); short protein forms I660V, I729V, I736V.
Identifiers: ClinVar variation 1910483 (VCV001910483.5), dbSNP rs2470990539, ClinGen allele CA352915309.
Genomic context (GRCh38, chr3:50,367,861, plus strand): 5'-GTGATGCCTACGTGTTGAGATCCTGGTCCCTCCACACACGCTCTACCAGCTGCTGCGTGA[T>C]GCCCGTGTCCAAGATCAGGTTGTGCAGAAGGAAGTTGTTGCCTGGAACAGGAGGGGAGGG-3'
Protein context (NP_006021.2, residues 719-739): LLHNLILDTG[Ile729Val]TQQLVERVWR

ClinVar aggregate classification (germline): Uncertain significance (1 of 4 stars; one submission).

Conditions:
Early-infantile DEE. Also called: Early infantile epileptic encephalopathy with suppression bursts; Early infantile epileptic encephalopathy; Ohtahara syndrome. Identifiers: Orphanet 1934, MedGen C0393706, MONDO:0800491.

Allele frequency attached by ClinVar (database versions not stated): gnomAD exomes below 0.00001.
gnomAD v4.1: 1 of 1,415,194 alleles (0.000071%); highest among the groups gnomAD compares: Middle Eastern, 0.02%; no homozygotes.

Submission:

Labcorp Genetics (formerly Invitae), Labcorp
Classification: Uncertain significance for Early-infantile DEE. Last evaluated: 2022-08-23. Review status: criteria provided, single submitter. Criteria: Invitae Variant Classification Sherloc (09022015). Collection method: clinical testing. Allele origin: germline.
Comment: In summary, the available evidence is currently insufficient to determine the role of this variant in disease. Therefore, it has been classified as a Variant of Uncertain Significance. Algorithms developed to predict the effect of missense changes on protein structure and function are either unavailable or do not agree on the potential impact of this missense change (SIFT: "Tolerated"; PolyPhen-2: "Possibly Damaging"; Align-GVGD: "Class C0"). This variant has not been reported in the literature in individuals affected with CACNA2D2-related conditions. This variant is not present in population databases (gnomAD no frequency). This sequence change replaces isoleucine, which is neutral and non-polar, with valine, which is neutral and non-polar, at codon 729 of the CACNA2D2 protein (p.Ile729Val).